The following is an entry in ClinVar:

NM_017999.5(RNF31):c.1171G>C (p.Ala391Pro)

Gene: RNF31 (ring finger protein 31; plus strand). Cytogenetic location: 14q12.
Variant type: single nucleotide variant.
Coding change: c.1171G>C on transcript NM_017999.5 (MANE Select); coding-DNA position 1171, G replaced by C.
Protein change: p.Ala391Pro; replaces alanine 391 with proline.
Molecular consequence: missense variant.
Genome position (GRCh38, 1-based): chr14:24,150,422, G>C. VCF-style: chr14-24150422-G-C. GRCh37 (hg19) VCF-style: chr14-24619631-G-C.
Other names: c.718G>C, p.Ala240Pro (NM_001310332.2); short protein forms A240P, A391P.
Identifiers: ClinVar variation 4782289 (VCV004782289.1).

ClinVar aggregate classification (germline): Uncertain significance (1 of 4 stars; one submission).

gnomAD v4.1: 1 of 1,611,544 alleles (0.000062%); highest among the groups gnomAD compares: Non-Finnish European, 0.000085%; no homozygotes.

Submission:

Labcorp Genetics (formerly Invitae), Labcorp
Classification: Uncertain significance. Last evaluated: 2025-10-18. Review status: criteria provided, single submitter. Criteria: Invitae Variant Classification Sherloc (09022015). Collection method: clinical testing. Allele origin: germline.
Comment: This sequence change replaces alanine, which is neutral and non-polar, with proline, which is neutral and non-polar, at codon 391 of the RNF31 protein (p.Ala391Pro). This variant is present in population databases (no rsID available, gnomAD 0.007%). This variant has not been reported in the literature in individuals affected with RNF31-related conditions. An algorithm developed to predict the effect of missense changes on protein structure and function outputs the following: PolyPhen-2: "Benign". The proline amino acid residue is found in multiple mammalian species, which suggests that this missense change does not adversely affect protein function. In summary, the available evidence is currently insufficient to determine the role of this variant in disease. Therefore, it has been classified as a Variant of Uncertain Significance.